The following is an entry in ClinVar:

ClinVar aggregate classification (germline): Likely pathogenic. Review status: reviewed by expert panel (3 of 4 stars). 2 submissions from 2 submitters: Likely pathogenic (1). 1 of the submissions does not count toward it. Last evaluated 2025-04-15.

Conditions:
Glanzmann thrombasthenia. Also called: Glanzmann's thrombasthenia; THROMBASTHENIA OF GLANZMANN AND NAEGELI; Thrombasthenia; PLATELET GLYCOPROTEIN IIb-IIIa DEFICIENCY. Identifiers: Orphanet 849, MedGen C0040015, MONDO:0100326.

Allele frequency attached by ClinVar (database versions not stated): gnomAD exomes below 0.00001.
gnomAD v4.1: 2 of 1,614,068 alleles (0.00012%); highest among the groups gnomAD compares: African/African-American, 0.0013%; no homozygotes.

Submissions (3):

ClinGen Platelet Disorders Variant Curation Expert Panel, ClinGen
Classification: Likely pathogenic for Glanzmann thrombasthenia. Last evaluated: 2025-04-15. Review status: reviewed by expert panel. Criteria: ClinGen Platelet ACMG Specifications v2-1. Collection method: curation. Allele origin: germline. Inheritance: Autosomal recessive inheritance.
Comment: The missense variant NM_000419.5(ITGA2B):c.2444A>G (p.Tyr815Cys) has been reported, in the homozygous state (PM3_supporting), in at least one GT proband (P15 in PMID: 34275420) who displayed mucocutaneous bleeding and impaired aggregation with all agonists except ristocetin, which is highly specific for Glanzmann thrombasthenia. Additionally, αIIbβ3 surface expression was reduced to <5%, as measured by flow cytometry (PP4_strong). The highest population minor allele frequency in gnomAD v4.1 is 0.00001333 (1/75002 alleles) in the African/African-American genetic ancestry group, which is lower than the ClinGen PD VCEP threshold (<0.0001; PM2_Supporting). In summary, this variant meets criteria to be classified as Likely Pathogenic for GT. GT-specific criteria applied: PM2_supporting, PM3_supporting, PP4_strong.

Departement d'Immunology Plaquettaire, Institut National de la Transfusion Sanguine
Classification: Pathogenic for Glanzmann thrombasthenia 1. Review status: criteria provided, single submitter. Criteria: ACMG Guidelines, 2015. Collection method: provider interpretation, research. Allele origin: germline. Inheritance: Autosomal recessive inheritance. Affected: yes. Observed: 2 variant alleles, 1 heterozygote, 1 homozygote. Not counted in ClinVar's aggregate classification.
Comment: The variant impairs the expression of the platelets fibrinogen receptor alphaIIb beta3

Dr. Peter K. Rogan Lab, Western University
No classification provided (evidence only). Condition: Gastric cancer. Review status: no classification provided. Collection method: in vitro. Allele origin: not applicable. Functional consequence: retained intron. Not counted in ClinVar's aggregate classification.

Literature cited by the submitters: PubMed 34275420 (cited by ClinGen Platelet Disorders Variant Curation Expert Panel, ClinGen); PubMed 32139434 (cited by Departement d'Immunology Plaquettaire, Institut National de la Transfusion Sanguine); PubMed 16722529 (cited by Departement d'Immunology Plaquettaire, Institut National de la Transfusion Sanguine).

NM_000419.5(ITGA2B):c.2444A>G (p.Tyr815Cys)

Gene: ITGA2B (integrin subunit alpha 2b; minus strand). Cytogenetic location: 17q21.31.
Variant type: single nucleotide variant.
Coding change: c.2444A>G on transcript NM_000419.5 (MANE Select); coding-DNA position 2444, A replaced by G.
Protein change: p.Tyr815Cys; replaces tyrosine 815 with cysteine.
Molecular consequence: missense variant.
Genome position (GRCh38, 1-based): chr17:44,376,089, T>C on the plus strand (A>G on the coding strand, the complement: ITGA2B is on the minus strand). VCF-style: chr17-44376089-T-C. GRCh37 (hg19) VCF-style: chr17-42453457-T-C.
Other names: NC_000017.10:g.42453457T>C; short protein forms Y815C.
Identifiers: ClinVar variation 977129 (VCV000977129.5), dbSNP rs2048541187, ClinGen allele CA399795789.